The following is an entry in ClinVar:

NM_022095.4(ZNF335):c.250T>C (p.Tyr84His)

Gene: ZNF335 (zinc finger protein 335; minus strand). Cytogenetic location: 20q13.12.
Variant type: single nucleotide variant.
Coding change: c.250T>C on transcript NM_022095.4 (MANE Select); coding-DNA position 250, T replaced by C.
Protein change: p.Tyr84His; replaces tyrosine 84 with histidine.
Molecular consequence: missense variant.
Genome position (GRCh38, 1-based): chr20:45,969,643, A>G on the plus strand (T>C on the coding strand, the complement: ZNF335 is on the minus strand). VCF-style: chr20-45969643-A-G. GRCh37 (hg19) VCF-style: chr20-44598282-A-G.
Other names: short protein forms Y84H.
Identifiers: ClinVar variation 2186721 (VCV002186721.2), dbSNP rs780368831, ClinGen allele CA9886146.

ClinVar aggregate classification (germline): Uncertain significance (1 of 4 stars; one submission).

Allele frequency attached by ClinVar (database versions not stated): gnomAD 0.00002; gnomAD exomes 0.00003; TOPMed 0.00005; ExAC 0.00008.
gnomAD v4.1: 52 of 1,611,698 alleles (0.0032%); highest among the groups gnomAD compares: Non-Finnish European, 0.00034%; no homozygotes.

Submission:

Labcorp Genetics (formerly Invitae), Labcorp
Classification: Uncertain significance. Last evaluated: 2022-05-03. Review status: criteria provided, single submitter. Criteria: Invitae Variant Classification Sherloc (09022015). Collection method: clinical testing. Allele origin: germline.
Comment: This variant is present in population databases (rs780368831, gnomAD 0.2%). In summary, the available evidence is currently insufficient to determine the role of this variant in disease. Therefore, it has been classified as a Variant of Uncertain Significance. Algorithms developed to predict the effect of missense changes on protein structure and function (SIFT, PolyPhen-2, Align-GVGD) all suggest that this variant is likely to be tolerated. This variant has not been reported in the literature in individuals affected with ZNF335-related conditions. This sequence change replaces tyrosine, which is neutral and polar, with histidine, which is basic and polar, at codon 84 of the ZNF335 protein (p.Tyr84His).